The following is an entry in ClinVar:

NM_000089.4(COL1A2):c.693+3A>C

Gene: COL1A2 (collagen type I alpha 2 chain; plus strand). Cytogenetic location: 7q21.3.
Variant type: single nucleotide variant.
Coding change: c.693+3A>C on transcript NM_000089.4 (MANE Select); 3 bases into the intron after coding-DNA position 693, A replaced by C.
Molecular consequence: intron variant.
Genome position (GRCh38, 1-based): chr7:94,408,239, A>C. VCF-style: chr7-94408239-A-C. GRCh37 (hg19) VCF-style: chr7-94037551-A-C.
Identifiers: ClinVar variation 4881289 (VCV004881289.2).

ClinVar aggregate classification (germline): Uncertain significance (1 of 4 stars; one submission).

Submission:

Dasa
Classification: Uncertain significance. Last evaluated: 2025-02-19. Review status: criteria provided, single submitter. Criteria: DASA Assertion Criteria. Collection method: clinical testing. Allele origin: germline.
Comment: NM_000089.4(COL1A2):c.693+3A>C is a splice-region variant. This variant is absent from population databases. The currently available literature and clinical evidence are not sufficient to establish a definitive association between this variant and the reported condition. Therefore, this variant is classified as a variant of uncertain significance.